The following is an entry in ClinVar:

ClinVar aggregate classification (germline): Uncertain significance (1 of 4 stars; one submission).

Conditions:
Inborn genetic diseases. Identifiers: MedGen C0950123, MeSH D030342.

Allele frequency attached by ClinVar (database versions not stated): TOPMed 0.00002; gnomAD 0.00003; ExAC 0.00004; gnomAD exomes 0.00004.
gnomAD v4.1: 60 of 1,614,178 alleles (0.0037%); highest among the groups gnomAD compares: Middle Eastern, 0.016%; no homozygotes.

Submission:

Ambry Genetics
Classification: Uncertain significance for Inborn genetic diseases. Last evaluated: 2025-03-09. Review status: criteria provided, single submitter. Criteria: Ambry Variant Classification Scheme 2023. Collection method: clinical testing. Allele origin: germline.
Comment: The p.N308S variant (also known as c.923A>G), located in coding exon 7 of the BCKDHA gene, results from an A to G substitution at nucleotide position 923. The asparagine at codon 308 is replaced by serine, an amino acid with highly similar properties. This amino acid position is conserved. In addition, the in silico prediction for this alteration is inconclusive. Based on the available evidence, the clinical significance of this variant remains unclear.

NM_000709.4(BCKDHA):c.923A>G (p.Asn308Ser)

Gene: BCKDHA (branched chain keto acid dehydrogenase E1 subunit alpha; plus strand). Cytogenetic location: 19q13.2.
Variant type: single nucleotide variant.
Coding change: c.923A>G on transcript NM_000709.4 (MANE Select); coding-DNA position 923, A replaced by G.
Protein change: p.Asn308Ser; replaces asparagine 308 with serine.
Molecular consequence: missense variant.
Genome position (GRCh38, 1-based): chr19:41,422,698, A>G. VCF-style: chr19-41422698-A-G. GRCh37 (hg19) VCF-style: chr19-41928603-A-G.
Other names: c.920A>G, p.Asn307Ser (NM_001164783.2); short protein forms N307S, N308S.
Identifiers: ClinVar variation 2509659 (VCV002509659.3), dbSNP rs558331396, ClinGen allele CA9461301.
Genomic context (GRCh38, chr19:41,422,698, plus strand): 5'-GCCCCGGGTATGGCATCATGTCAATCCGCGTGGATGGTAATGATGTGTTTGCCGTATACA[A>G]CGCCACAAAGGAGGCCCGACGGCGGGCTGTGGCAGAGAACCAGCCCTTCCTCATCGAGGC-3'
Protein context (NP_000700.1, residues 298-318): VDGNDVFAVY[Asn308Ser]ATKEARRRAV